The following is an entry in ClinVar:

ClinVar aggregate classification (germline): Benign (0 of 4 stars; one submission).

Conditions:
MEI1-related disorder. Also called: MEI1-related condition.

Allele frequency attached by ClinVar (database versions not stated): ESP Exome Variant Server 0.00956; gnomAD exomes 0.01311; gnomAD 0.01619; TOPMed 0.01908; ExAC 0.02385; 1000 Genomes Project 30x 0.02904; 1000 Genomes Project 0.03115.
gnomAD v4.1: 21,799 of 1,612,936 alleles (1.4%); highest among the groups gnomAD compares: Admixed American, 6.6%; 370 homozygotes.

Submission:

PreventionGenetics, part of Exact Sciences
Classification: Benign for MEI1-related condition. Last evaluated: 2019-02-22. Review status: no assertion criteria provided. Collection method: clinical testing. Allele origin: germline.
Comment: This variant is classified as benign based on ACMG/AMP sequence variant interpretation guidelines (Richards et al. 2015 PMID: 25741868, with internal and published modifications).

NM_152513.4(MEI1):c.2845A>G (p.Thr949Ala)

Gene: MEI1 (meiotic double-stranded break formation protein 1; plus strand). Cytogenetic location: 22q13.2.
Variant type: single nucleotide variant.
Coding change: c.2845A>G on transcript NM_152513.4 (MANE Select); coding-DNA position 2845, A replaced by G.
Protein change: p.Thr949Ala; replaces threonine 949 with alanine.
Molecular consequence: missense variant.
Genome position (GRCh38, 1-based): chr22:41,781,313, A>G. VCF-style: chr22-41781313-A-G. GRCh37 (hg19) VCF-style: chr22-42177317-A-G.
Other names: short protein forms T949A.
Identifiers: ClinVar variation 3037661 (VCV003037661.2), dbSNP rs73163330, ClinGen allele CA10260662.